The following is an entry in ClinVar:

NM_000059.4(BRCA2):c.8099T>A (p.Ile2700Lys)

Gene: BRCA2 (BRCA2 DNA repair associated; plus strand). Cytogenetic location: 13q13.1.
Variant type: single nucleotide variant.
Coding change: c.8099T>A on transcript NM_000059.4 (MANE Select); coding-DNA position 8099, T replaced by A.
Protein change: p.Ile2700Lys; replaces isoleucine 2700 with lysine.
Molecular consequence: missense variant. On other transcripts: non-coding transcript variant (1).
Genome position (GRCh38, 1-based): chr13:32,363,301, T>A. VCF-style: chr13-32363301-T-A. GRCh37 (hg19) VCF-style: chr13-32937438-T-A.
Other names: c.8003T>A, p.Ile2668Lys (NM_001406719.1); c.8099T>A, p.Ile2700Lys (NM_001406720.1); c.3167T>A, p.Ile1056Lys (NM_001406721.1); c.1682T>A, p.Ile561Lys (NM_001406722.1); short protein forms I2700K, I2668K, I561K, I1056K.
Identifiers: ClinVar variation 2755425 (VCV002755425.3), dbSNP rs587782365, ClinGen allele CA387749301.

ClinVar aggregate classification (germline): Uncertain significance (1 of 4 stars; one submission).

Conditions:
Hereditary breast ovarian cancer syndrome. Also called: Hereditary breast and ovarian cancer; Hereditary breast and ovarian cancer syndrome; Breast and ovarian cancer; BRCA1- and BRCA2-Associated Hereditary Breast and Ovarian Cancer; Hereditary breast and ovarian cancer syndrome (HBOC); Hereditary breast and/or ovarian cancer syndrome. Identifiers: Orphanet 145, MedGen C0677776, MeSH D061325, MONDO:0003582. Disease mechanism: loss of function.

Submission:

Labcorp Genetics (formerly Invitae), Labcorp
Classification: Uncertain significance for Hereditary breast ovarian cancer syndrome. Last evaluated: 2023-08-27. Review status: criteria provided, single submitter. Criteria: Invitae Variant Classification Sherloc (09022015). Collection method: clinical testing. Allele origin: germline.
Comment: Advanced modeling of protein sequence and biophysical properties (such as structural, functional, and spatial information, amino acid conservation, physicochemical variation, residue mobility, and thermodynamic stability) performed at Invitae indicates that this missense variant is not expected to disrupt BRCA2 protein function. This sequence change replaces isoleucine, which is neutral and non-polar, with lysine, which is basic and polar, at codon 2700 of the BRCA2 protein (p.Ile2700Lys). This variant is not present in population databases (gnomAD no frequency). This variant has not been reported in the literature in individuals affected with BRCA2-related conditions. In summary, the available evidence is currently insufficient to determine the role of this variant in disease. Therefore, it has been classified as a Variant of Uncertain Significance.